The following is an entry in ClinVar:

NM_014712.3(SETD1A):c.539A>G (p.Tyr180Cys)

Gene: SETD1A (SET domain containing 1A, histone lysine methyltransferase; plus strand). Cytogenetic location: 16p11.2.
Variant type: single nucleotide variant.
Coding change: c.539A>G on transcript NM_014712.3 (MANE Select); coding-DNA position 539, A replaced by G.
Protein change: p.Tyr180Cys; replaces tyrosine 180 with cysteine.
Molecular consequence: missense variant.
Genome position (GRCh38, 1-based): chr16:30,963,454, A>G. VCF-style: chr16-30963454-A-G. GRCh37 (hg19) VCF-style: chr16-30974775-A-G.
Other names: short protein forms Y180C.
Identifiers: ClinVar variation 4996165 (VCV004996165.1).

ClinVar aggregate classification (germline): Uncertain significance (1 of 4 stars; one submission).

Conditions:
SETD1A-related disorder. Also called: SETD1A-related condition.

Submission:

PreventionGenetics, part of Exact Sciences
Classification: Uncertain significance for SETD1A-related condition. Last evaluated: 2026-09-01. Review status: criteria provided, single submitter. Criteria: ACMG Guidelines, 2015. Collection method: clinical testing. Allele origin: germline.
Comment: The SETD1A c.539A>G variant is predicted to result in the amino acid substitution p.Tyr180Cys. To our knowledge, this variant has not been reported in the literature or in a large population database (gnomAD), indicating this variant is rare. At this time, the clinical significance of this variant is uncertain due to the absence of conclusive functional and genetic evidence.